The following is an entry in ClinVar:

NM_018489.3(ASH1L):c.1959del (p.Lys653fs)

Gene: ASH1L (ASH1 like histone lysine methyltransferase; minus strand). Cytogenetic location: 1q22.
Variant type: Deletion.
Coding change: c.1959del on transcript NM_018489.3 (MANE Select); coding-DNA position 1959, one base deleted (G; older notation c.1959delG).
Protein change: p.Lys653fs; shifts the reading frame from lysine 653.
Molecular consequence: frameshift variant.
Genome position (GRCh38, 1-based): chr1:155,480,911, C deleted on the plus strand (G on the coding strand, the reverse complement: ASH1L is on the minus strand). VCF-style (leftmost placement, unchanged base first): chr1-155480910-GC-G. GRCh37 (hg19) VCF-style: chr1-155450701-GC-G.
Other names: c.1959del, p.Lys653fs (NM_001366177.2); short protein forms K653fs.
Identifiers: ClinVar variation 2627116 (VCV002627116.1), dbSNP rs2527187941, ClinGen allele CA2582342425.
Genomic context (GRCh38, chr1:155,480,910, plus strand): 5'-TAGTGAAGTTAACAACTGAAGGAGTAATAGTATGAATGCTGGATTCAGAAGTCAAACTTG[GC>G]TTTTTTCCAAGGGAAGAGCTTATTCTTGGAATATCTATATGGGTAGTTTTTGAATCATTT-3'

ClinVar aggregate classification (germline): Pathogenic (1 of 4 stars; one submission).

Conditions:
Intellectual developmental disorder, autosomal dominant 52. Also called: Mental retardation, autosomal dominant 52; Intellectual disability, autosomal dominant 52. Identifiers: MedGen C4540478, MONDO:0030918, OMIM 617796.

Submission:

Women's Health and Genetics/Laboratory Corporation of America, LabCorp
Classification: Pathogenic for Intellectual developmental disorder, autosomal dominant 52. Last evaluated: 2023-09-05. Review status: criteria provided, single submitter. Criteria: LabCorp Variant Classification Summary - May 2015. Collection method: clinical testing. Allele origin: germline.
Comment: Variant summary: ASH1L c.1959delG (p.Lys653AsnfsX4) results in a premature termination codon, predicted to cause a truncation of the encoded protein or absence of the protein due to nonsense mediated decay, which are commonly known mechanisms for disease. Variants downstream of this position have been classified as pathogenic in ClinVar. The variant was absent in 249594 control chromosomes (gnomAD). To our knowledge, no occurrence of c.1959delG in individuals affected with Intellectual Disability, Autosomal Dominant 52 and no experimental evidence demonstrating its impact on protein function have been reported. This variant has been observed as a de novo occurrence internally. No submitters have cited clinical-significance assessments for this variant to ClinVar after 2014. Based on the evidence outlined above, the variant was classified as pathogenic.